The following is an entry in ClinVar:

ClinVar aggregate classification (germline): Uncertain significance. Review status: criteria provided, single submitter (1 of 4 stars). 2 submissions from 2 submitters: Uncertain significance (1). 1 of the submissions does not count toward it. Last evaluated 2025-01-09.

Conditions:
RFX7-related disorder. Also called: RFX7-related condition.

Allele frequency attached by ClinVar (database versions not stated): TOPMed 0.00001.

Submissions (2):

GeneDx
Classification: Uncertain significance. Last evaluated: 2025-01-09. Review status: criteria provided, single submitter. Criteria: GeneDx Variant Classification Process June 2021. Collection method: clinical testing. Allele origin: germline. Affected: yes.
Comment: Not observed at significant frequency in large population cohorts (gnomAD); In silico analysis indicates that this missense variant does not alter protein structure/function; Has not been previously published as pathogenic or benign to our knowledge

PreventionGenetics, part of Exact Sciences
Classification: Uncertain significance for RFX7-related condition. Last evaluated: 2023-12-17. Review status: no assertion criteria provided. Collection method: clinical testing. Allele origin: germline. Not counted in ClinVar's aggregate classification.
Comment: The RFX7 c.1525C>A variant is predicted to result in the amino acid substitution p.Pro509Thr. To our knowledge, this variant has not been reported in the literature or in a large population database, indicating this variant is rare. At this time, the clinical significance of this variant is uncertain due to the absence of conclusive functional and genetic evidence.

NM_022841.7(RFX7):c.1525C>A (p.Pro509Thr)

Gene: RFX7 (regulatory factor X7; minus strand). Cytogenetic location: 15q21.3.
Variant type: single nucleotide variant.
Coding change: c.1525C>A on transcript NM_022841.7 (MANE Select); coding-DNA position 1525, C replaced by A.
Protein change: p.Pro509Thr; replaces proline 509 with threonine.
Molecular consequence: missense variant.
Genome position (GRCh38, 1-based): chr15:56,096,203, G>T on the plus strand (C>A on the coding strand, the complement: RFX7 is on the minus strand). VCF-style: chr15-56096203-G-T. GRCh37 (hg19) VCF-style: chr15-56388401-G-T.
Other names: c.1234C>A, p.Pro412Thr (NM_001368073.2, NM_001368074.1, NM_001370554.1); c.1525C>A, p.Pro509Thr (NM_001370561.1); short protein forms P412T, P509T.
Identifiers: ClinVar variation 3031755 (VCV003031755.3), dbSNP rs2041674908, ClinGen allele CA392583208.